The following is an entry in ClinVar:

ClinVar aggregate classification (germline): Uncertain significance (1 of 4 stars; one submission).

Conditions:
Hepatic veno-occlusive disease-immunodeficiency syndrome. Also called: Hepatic Veno-Occlusive Disease with Immunodeficiency. Identifiers: Orphanet 79124, MedGen C1856128, MONDO:0009338, OMIM 235550. Disease mechanism: loss of function.

Allele frequency attached by ClinVar (database versions not stated): gnomAD 0.00001; TOPMed 0.00001; ExAC 0.00002; gnomAD exomes 0.00003.
gnomAD v4.1: 16 of 1,585,098 alleles (0.001%); highest among the groups gnomAD compares: East Asian, 0.0022%; no homozygotes.

Submission:

Labcorp Genetics (formerly Invitae), Labcorp
Classification: Uncertain significance for Hepatic veno-occlusive disease-immunodeficiency syndrome. Last evaluated: 2019-06-15. Review status: criteria provided, single submitter. Criteria: Invitae Variant Classification Sherloc (09022015). Collection method: clinical testing. Allele origin: germline.
Comment: Algorithms developed to predict the effect of missense changes on protein structure and function (SIFT, PolyPhen-2, Align-GVGD) all suggest that this variant is likely to be tolerated, but these predictions have not been confirmed by published functional studies and their clinical significance is uncertain. In summary, the available evidence is currently insufficient to determine the role of this variant in disease. Therefore, it has been classified as a Variant of Uncertain Significance. Nucleotide substitutions within the consensus splice site are a relatively common cause of aberrant splicing (PMID: 17576681, 9536098). Algorithms developed to predict the effect of sequence changes on RNA splicing suggest that this variant may disrupt the consensus splice site, but this prediction has not been confirmed by published transcriptional studies. This variant has not been reported in the literature in individuals with SP110-related conditions. This variant is present in population databases (rs199507633, ExAC 0.004%). This sequence change replaces glutamic acid with glutamine at codon 251 of the SP110 protein (p.Glu251Gln). The glutamic acid residue is weakly conserved and there is a small physicochemical difference between glutamic acid and glutamine. This variant also falls at the last nucleotide of exon 6 of the SP110 coding sequence, which is part of the consensus splice site for this exon.

Literature cited by the submitters: PubMed 17576681; PubMed 9536098.

NM_080424.4(SP110):c.751G>C (p.Glu251Gln)

Genes: SP140 (SP140 nuclear body protein; plus strand), SP110 (SP110 nuclear body protein; minus strand). Cytogenetic location: 2q37.1.
Variant type: single nucleotide variant.
Coding change: c.751G>C on transcript NM_080424.4 (MANE Select); coding-DNA position 751, G replaced by C.
Protein change: p.Glu251Gln; replaces glutamic acid 251 with glutamine.
Molecular consequence: missense variant.
Genome position (GRCh38, 1-based): chr2:230,211,470, C>G on the plus strand (G>C on the coding strand, the complement: SP110 is on the minus strand). VCF-style: chr2-230211470-C-G. GRCh37 (hg19) VCF-style: chr2-231076185-C-G.
Other names: c.769G>C, p.Glu257Gln (NM_001185015.2, NM_001378442.1, NM_001378444.1 and 2 more transcripts); c.751G>C, p.Glu251Gln (NM_001378443.1, NM_001378447.1, NM_004509.5 and 1 more transcripts); short protein forms E251Q, E257Q.
Identifiers: ClinVar variation 942188 (VCV000942188.9), dbSNP rs199507633, ClinGen allele CA2154749.
Genomic context (GRCh38, chr2:230,211,470, plus strand): 5'-TTTCCTCTTAGTAAACACAGAAACAAAGGCAAGCTTTTAGGTTGACCAAACCAAGATTAC[C>G]TGGCATAGAGCCCAAGGGAGAGTGGGGCATCTCTTGAGGGTCTTCTTTATCTCTTATTTG-3'
Protein context (NP_536349.3, residues 241-261): MPHSPLGSMP[Glu251Gln]IRDNSPEPND